The following is an entry in ClinVar:

ClinVar aggregate classification (germline): Likely benign. Review status: criteria provided, multiple submitters, no conflicts (2 of 4 stars). 2 submissions from 2 submitters: Likely benign (2). Last evaluated 2024-03-07.

Allele frequency attached by ClinVar (database versions not stated): gnomAD exomes 0.00005; gnomAD 0.00007; TOPMed 0.00013; ExAC 0.00014; 1000 Genomes Project 30x 0.00047; 1000 Genomes Project 0.00060.

Submissions (2):

Labcorp Genetics (formerly Invitae), Labcorp
Classification: Likely benign. Last evaluated: 2024-03-07. Review status: criteria provided, single submitter. Criteria: Invitae Variant Classification Sherloc (09022015). Collection method: clinical testing. Allele origin: germline.

CeGaT Center for Human Genetics Tuebingen
Classification: Likely benign. Last evaluated: 2023-10-01. Review status: criteria provided, single submitter. Criteria: CeGaT Center For Human Genetics Tuebingen Variant Classification Criteria Version 2. Collection method: clinical testing. Allele origin: germline. Affected: yes. Observed: 1 variant allele.
Comment: OTOA: BP4, BP7

NM_144672.4(OTOA):c.1590C>T (p.Asn530=)

Gene: OTOA (otoancorin). Cytogenetic location: 16p12.2.
Variant type: single nucleotide variant.
Coding change: c.1590C>T on transcript NM_144672.4 (MANE Select); coding-DNA position 1590, C replaced by T.
Protein change: p.Asn530=; no amino-acid change (asparagine 530 retained).
Molecular consequence: synonymous variant.
Genome position (GRCh38, 1-based): chr16:21,717,008, C>T. VCF-style: chr16-21717008-C-T. GRCh37 (hg19) VCF-style: chr16-21728329-C-T.
Other names: c.1353C>T, p.Asn451= (NM_001161683.2); c.618C>T, p.Asn206= (NM_170664.3).
Identifiers: ClinVar variation 1898815 (VCV001898815.30), dbSNP rs192688714, ClinGen allele CA7952683.